The following is an entry in ClinVar:

ClinVar aggregate classification (germline): Pathogenic (1 of 4 stars; one submission).

Conditions:
Neurofibromatosis, type 1 (NF1). Also called: Neurofibromatosis, type I; NEUROFIBROMATOSIS, TYPE I, SOMATIC; Peripheral type neurofibromatosis; VON RECKLINGHAUSEN DISEASE. Identifiers: Orphanet 636, MedGen C0027831, MONDO:0018975, OMIM 162200. Disease mechanism: loss of function.

Submission:

Labcorp Genetics (formerly Invitae), Labcorp
Classification: Pathogenic for Neurofibromatosis, type 1. Last evaluated: 2023-07-19. Review status: criteria provided, single submitter. Criteria: Invitae Variant Classification Sherloc (09022015). Collection method: clinical testing. Allele origin: germline.
Comment: For these reasons, this variant has been classified as Pathogenic. This premature translational stop signal has been observed in individual(s) with neurofibromatosis type 1 (PMID: 28961165). This variant is not present in population databases (gnomAD no frequency). This sequence change creates a premature translational stop signal (p.Leu1859*) in the NF1 gene. It is expected to result in an absent or disrupted protein product. Loss-of-function variants in NF1 are known to be pathogenic (PMID: 10712197, 23913538).

Literature cited by the submitters: PubMed 28961165; PubMed 10712197; PubMed 23913538.

NM_001042492.3(NF1):c.5639T>A (p.Leu1880Ter)

Gene: NF1 (neurofibromin 1; plus strand). Cytogenetic location: 17q11.2.
Variant type: single nucleotide variant.
Coding change: c.5639T>A on transcript NM_001042492.3 (MANE Select); coding-DNA position 5639, T replaced by A.
Protein change: p.Leu1880Ter; replaces leucine 1880 with a stop codon.
Molecular consequence: nonsense.
Genome position (GRCh38, 1-based): chr17:31,330,325, T>A. VCF-style: chr17-31330325-T-A. GRCh37 (hg19) VCF-style: chr17-29657343-T-A.
Other names: c.5576T>A, p.Leu1859Ter (NM_000267.4); short protein forms L1859*, L1880*.
Identifiers: ClinVar variation 2726009 (VCV002726009.3), dbSNP rs1567613595, ClinGen allele CA399010151.